The following is an entry in ClinVar:

NM_199355.4(ADAMTS18):c.242T>G (p.Leu81Trp)

Gene: ADAMTS18 (ADAM metallopeptidase with thrombospondin type 1 motif 18; minus strand). Cytogenetic location: 16q23.1.
Variant type: single nucleotide variant.
Coding change: c.242T>G on transcript NM_199355.4 (MANE Select); coding-DNA position 242, T replaced by G.
Protein change: p.Leu81Trp; replaces leucine 81 with tryptophan.
Molecular consequence: missense variant. On other transcripts: 5 prime UTR variant (1).
Genome position (GRCh38, 1-based): chr16:77,431,548, A>C on the plus strand (T>G on the coding strand, the complement: ADAMTS18 is on the minus strand). VCF-style: chr16-77431548-A-C. GRCh37 (hg19) VCF-style: chr16-77465445-A-C.
Other names: c.242T>G (NM_199355.2); c.-279T>G (NM_001326358.2); short protein forms L81W.
Identifiers: ClinVar variation 962852 (VCV000962852.10), dbSNP rs779919266, ClinGen allele CA8181734.
Genomic context (GRCh38, chr16:77,431,548, plus strand): 5'-AATCGGTAGTGCAGGGAGCTTCTGGCATTCTGCGCCGATCGCTTTTTCCTGCCGTTGTGC[A>C]AAATGTCGTGTGAAATATATGACCCGGCTGAGTCTACTTCTACTGGCGTGACAAAGACGT-3'
Protein context (NP_955387.1, residues 71-91): SAGSYISHDI[Leu81Trp]HNGRKKRSAQ

ClinVar aggregate classification (germline): Uncertain significance. Review status: criteria provided, multiple submitters, no conflicts (2 of 4 stars). 3 submissions from 3 submitters: Uncertain significance (3). Last evaluated 2025-05-05.

Conditions:
Inborn genetic diseases. Identifiers: MedGen C0950123, MeSH D030342.

Allele frequency attached by ClinVar (database versions not stated): TOPMed 0.00003; ExAC 0.00005; gnomAD exomes 0.00005 and 0.00010; gnomAD 0.00006.

Submissions (3):

Ambry Genetics
Classification: Uncertain significance for Inborn genetic diseases. Last evaluated: 2025-05-05. Review status: criteria provided, single submitter. Criteria: Ambry Variant Classification Scheme 2023. Collection method: clinical testing. Allele origin: germline.

Blueprint Genetics
Classification: Uncertain significance. Last evaluated: 2024-11-14. Review status: criteria provided, single submitter. Criteria: ACMG Guidelines, 2015. Collection method: clinical testing. Allele origin: germline.

Labcorp Genetics (formerly Invitae), Labcorp
Classification: Uncertain significance. Last evaluated: 2022-06-29. Review status: criteria provided, single submitter. Criteria: Invitae Variant Classification Sherloc (09022015). Collection method: clinical testing. Allele origin: germline.
Comment: In summary, the available evidence is currently insufficient to determine the role of this variant in disease. Therefore, it has been classified as a Variant of Uncertain Significance. Algorithms developed to predict the effect of missense changes on protein structure and function are either unavailable or do not agree on the potential impact of this missense change (SIFT: "Not Available"; PolyPhen-2: "Possibly Damaging"; Align-GVGD: "Not Available"). ClinVar contains an entry for this variant (Variation ID: 962852). This variant has not been reported in the literature in individuals affected with ADAMTS18-related conditions. This variant is present in population databases (rs779919266, gnomAD 0.008%). This sequence change replaces leucine, which is neutral and non-polar, with tryptophan, which is neutral and slightly polar, at codon 81 of the ADAMTS18 protein (p.Leu81Trp).